The following is an entry in ClinVar:

NM_001035.3(RYR2):c.11281C>T (p.Leu3761Phe)

Gene: RYR2 (ryanodine receptor 2; plus strand). Cytogenetic location: 1q43.
Variant type: single nucleotide variant.
Coding change: c.11281C>T on transcript NM_001035.3 (MANE Select); coding-DNA position 11281, C replaced by T.
Protein change: p.Leu3761Phe; replaces leucine 3761 with phenylalanine.
Molecular consequence: missense variant.
Genome position (GRCh38, 1-based): chr1:237,757,732, C>T. VCF-style: chr1-237757732-C-T. GRCh37 (hg19) VCF-style: chr1-237921032-C-T.
Other names: c.11281C>T (NM_001035.2); short protein forms L3761F.
Identifiers: ClinVar variation 2158699 (VCV002158699.6), dbSNP rs1693078310, ClinGen allele CA345427394.
Genomic context (GRCh38, chr1:237,757,732, plus strand): 5'-AACACTACTTTTTTATATTTCTTAGGTGAAACTGGACCAATGGTAGCAGCTACTCTGAAA[C>T]TTGGAATTGCTATTTTAAATGGTGGGAACTCCACAGTACAGCAGGTAACAGCTTCCAGTC-3'
Protein context (NP_001026.2, residues 3751-3771): TGPMVAATLK[Leu3761Phe]GIAILNGGNS

ClinVar aggregate classification (germline): Uncertain significance. Review status: criteria provided, multiple submitters, no conflicts (2 of 4 stars). 3 submissions from 3 submitters: Uncertain significance (3). Last evaluated 2025-10-03.

Conditions:
Cardiovascular phenotype. Identifiers: MedGen CN230736.
Catecholaminergic polymorphic ventricular tachycardia 1. Also called: VENTRICULAR TACHYCARDIA, CATECHOLAMINERGIC POLYMORPHIC, 1, WITH OR WITHOUT ATRIAL DYSFUNCTION AND/OR DILATED CARDIOMYOPATHY; RYR2-Related Catecholaminergic Polymorphic Ventricular Tachycardia; VENTRICULAR TACHYCARDIA, STRESS-INDUCED POLYMORPHIC 1. Identifiers: Orphanet 3286, MedGen C1631597, MONDO:0011484, OMIM 604772.

Allele frequency attached by ClinVar (database versions not stated): gnomAD 0.00001; TOPMed 0.00001.
gnomAD v4.1: 1 of 1,612,012 alleles (0.000062%); highest among the groups gnomAD compares: Non-Finnish European, 0.000085%; no homozygotes.

Submissions (3):

Labcorp Genetics (formerly Invitae), Labcorp
Classification: Uncertain significance for Catecholaminergic polymorphic ventricular tachycardia 1. Last evaluated: 2025-10-03. Review status: criteria provided, single submitter. Criteria: Invitae Variant Classification Sherloc (09022015). Collection method: clinical testing. Allele origin: germline.
Comment: This sequence change replaces leucine, which is neutral and non-polar, with phenylalanine, which is neutral and non-polar, at codon 3761 of the RYR2 protein (p.Leu3761Phe). This variant is not present in population databases (gnomAD no frequency). This variant has not been reported in the literature in individuals affected with RYR2-related conditions. ClinVar contains an entry for this variant (Variation ID: 2158699). Invitae Evidence Modeling of protein sequence and biophysical properties (such as structural, functional, and spatial information, amino acid conservation, physicochemical variation, residue mobility, and thermodynamic stability) indicates that this missense variant is expected to disrupt RYR2 protein function with a positive predictive value of 95%. In summary, the available evidence is currently insufficient to determine the role of this variant in disease. Therefore, it has been classified as a Variant of Uncertain Significance.

Ambry Genetics
Classification: Uncertain significance for Cardiovascular phenotype. Last evaluated: 2025-06-17. Review status: criteria provided, single submitter. Criteria: Ambry Variant Classification Scheme 2023. Collection method: clinical testing. Allele origin: germline.
Comment: The p.L3761F variant (also known as c.11281C>T), located in coding exon 82 of the RYR2 gene, results from a C to T substitution at nucleotide position 11281. The leucine at codon 3761 is replaced by phenylalanine, an amino acid with highly similar properties. This amino acid position is highly conserved in available vertebrate species. In addition, this alteration is predicted to be deleterious by in silico analysis. Based on the available evidence, the clinical significance of this variant remains unclear.

GeneDx
Classification: Uncertain significance. Last evaluated: 2024-02-11. Review status: criteria provided, single submitter. Criteria: GeneDx Variant Classification Process June 2021. Collection method: clinical testing. Allele origin: germline. Affected: yes.
Comment: Not observed at significant frequency in large population cohorts (gnomAD); In silico analysis supports that this missense variant has a deleterious effect on protein structure/function; Has not been previously published as pathogenic or benign to our knowledge